The following is an entry in ClinVar:

ClinVar aggregate classification (germline): Likely pathogenic (1 of 4 stars; one submission).

Conditions:
Neurofibromatosis, type 1 (NF1). Also called: VON RECKLINGHAUSEN DISEASE; NEUROFIBROMATOSIS, TYPE I, SOMATIC; Peripheral type neurofibromatosis; Neurofibromatosis, type I. Identifiers: Orphanet 636, MedGen C0027831, MONDO:0018975, OMIM 162200. Disease mechanism: loss of function.

Submission:

MVZ Martinsried, Medicover Genetics
Classification: Likely pathogenic for Neurofibromatosis, type 1. Last evaluated: 2026-08-07. Review status: criteria provided, single submitter. Criteria: ClinGen Variant Curation SOP V3.2 + Classification Guidance July2025. Collection method: clinical testing. Allele origin: unknown. Affected: yes. Observed: 1 heterozygote.
Comment: PM5, PP3_Moderate, PM2_Supporting, PP2

NM_001042492.3(NF1):c.5498T>A (p.Leu1833Gln)

Gene: NF1 (neurofibromin 1; plus strand). Cytogenetic location: 17q11.2.
Variant type: single nucleotide variant.
Coding change: c.5498T>A on transcript NM_001042492.3 (MANE Select); coding-DNA position 5498, T replaced by A.
Protein change: p.Leu1833Gln; replaces leucine 1833 with glutamine.
Molecular consequence: missense variant.
Genome position (GRCh38, 1-based): chr17:31,327,728, T>A. VCF-style: chr17-31327728-T-A. GRCh37 (hg19) VCF-style: chr17-29654746-T-A.
Other names: c.5435T>A, p.Leu1812Gln (NM_000267.4); short protein forms L1812Q, L1833Q.
Identifiers: ClinVar variation 5043466 (VCV005043466.1).
Genomic context (GRCh38, chr17:31,327,728, plus strand): 5'-TGCACCAGGAGTGTGAAGCCATTGTCCAGTCTATCATTCATATCCGGACCCGCTGGGAAC[T>A]GTCACAGCCCGACTCTATCCCCCAACACACCAAGATTCGGCCAAAAGATGTCCCTGGGAC-3'
Protein context (NP_001035957.1, residues 1823-1843): SIIHIRTRWE[Leu1833Gln]SQPDSIPQHT